The following is an entry in ClinVar:

NM_015100.4(POGZ):c.2005C>T (p.His669Tyr)

Gene: POGZ (pogo transposable element derived with ZNF domain; minus strand). Cytogenetic location: 1q21.3.
Variant type: single nucleotide variant.
Coding change: c.2005C>T on transcript NM_015100.4 (MANE Select); coding-DNA position 2005, C replaced by T.
Protein change: p.His669Tyr; replaces histidine 669 with tyrosine.
Molecular consequence: missense variant.
Genome position (GRCh38, 1-based): chr1:151,408,750, G>A on the plus strand (C>T on the coding strand, the complement: POGZ is on the minus strand). VCF-style: chr1-151408750-G-A. GRCh37 (hg19) VCF-style: chr1-151381226-G-A.
Other names: c.1978C>T, p.His660Tyr (NM_001194937.2); c.1819C>T, p.His607Tyr (NM_001194938.2); c.1720C>T, p.His574Tyr (NM_145796.4); c.1846C>T, p.His616Tyr (NM_207171.2); short protein forms H574Y, H607Y, H616Y, H660Y, H669Y.
Identifiers: ClinVar variation 1326719 (VCV001326719.5), dbSNP rs777799994, ClinGen allele CA1091285.

ClinVar aggregate classification (germline): Conflicting classifications of pathogenicity. Review status: criteria provided, conflicting classifications (1 of 4 stars). 3 submissions from 3 submitters: Uncertain significance (1); Likely benign (2). Last evaluated 2025-07-10.

Conditions:
Inborn genetic diseases. Identifiers: MedGen C0950123, MeSH D030342.
POGZ-related disorder. Also called: POGZ-related condition.

Allele frequency attached by ClinVar (database versions not stated): ExAC 0.00001; gnomAD exomes 0.00002; gnomAD 0.00011 and 0.00012; TOPMed 0.00026.
gnomAD v4.1: 54 of 1,613,882 alleles (0.0033%); highest among the groups gnomAD compares: Admixed American, 0.042%; no homozygotes.

Submissions (3):

PreventionGenetics, part of Exact Sciences
Classification: Uncertain significance for POGZ-related condition. Last evaluated: 2025-07-10. Review status: criteria provided, single submitter. Criteria: ACMG Guidelines, 2015. Collection method: clinical testing. Allele origin: germline.
Comment: The POGZ c.2005C>T variant is predicted to result in the amino acid substitution p.His669Tyr. To our knowledge, this variant has not been reported in the literature. This variant is reported in 0.011% of alleles in individuals of Latino descent in gnomAD. Although we suspect that this variant may be benign, at this time, the clinical significance of this variant is uncertain due to the absence of conclusive functional and genetic evidence.

Ambry Genetics
Classification: Likely benign for Inborn genetic diseases. Last evaluated: 2021-12-15. Review status: criteria provided, single submitter. Criteria: Ambry Variant Classification Scheme 2023. Collection method: clinical testing. Allele origin: germline.

GeneDx
Classification: Likely benign. Last evaluated: 2021-05-28. Review status: criteria provided, single submitter. Criteria: GeneDx Variant Classification Process June 2021. Collection method: clinical testing. Allele origin: germline. Affected: yes.